The following is an entry in ClinVar:

NM_020975.6(RET):c.740C>T (p.Ala247Val)

Gene: RET (ret proto-oncogene; plus strand). Cytogenetic location: 10q11.21.
Variant type: single nucleotide variant.
Coding change: c.740C>T on transcript NM_020975.6 (MANE Select); coding-DNA position 740, C replaced by T.
Protein change: p.Ala247Val; replaces alanine 247 with valine.
Molecular consequence: missense variant.
Genome position (GRCh38, 1-based): chr10:43,105,066, C>T. VCF-style: chr10-43105066-C-T. GRCh37 (hg19) VCF-style: chr10-43600514-C-T.
Other names: c.740C>T, p.Ala247Val (NM_000323.2, NM_001406743.1, NM_001406744.1 and 8 more transcripts); c.-23C>T (NM_001355216.2); c.611C>T, p.Ala204Val (NM_001406761.1, NM_001406762.1, NM_001406764.1 and 2 more transcripts); c.452C>T, p.Ala151Val (NM_001406766.1, NM_001406767.1, NM_001406770.1); short protein forms A247V, A151V, A204V.
Identifiers: ClinVar variation 486312 (VCV000486312.15), dbSNP rs61843232, ClinGen allele CA206256814.

ClinVar aggregate classification (germline): Conflicting classifications of pathogenicity. Review status: criteria provided, conflicting classifications (1 of 4 stars). 2 submissions from 2 submitters: Uncertain significance (1); Likely benign (1). Last evaluated 2024-05-14.

Conditions:
Multiple endocrine neoplasia, type 2 (MEN2). Identifiers: Orphanet 653, MedGen C4048306, MONDO:0019003. Disease mechanism: gain of function.
Hereditary cancer-predisposing syndrome. Also called: Tumor predisposition; Hereditary Cancer Syndrome; Hereditary neoplastic syndrome; Neoplastic Syndromes, Hereditary. Identifiers: Orphanet 140162, MedGen C0027672, MeSH D009386, MONDO:0015356.

Allele frequency attached by ClinVar (database versions not stated): gnomAD exomes 0.00001; TOPMed 0.00001; ESP Exome Variant Server 0.00008.
gnomAD v4.1: 3 of 1,610,108 alleles (0.00019%); highest among the groups gnomAD compares: Non-Finnish European, 0.00025%; no homozygotes.

Submissions (2):

Labcorp Genetics (formerly Invitae), Labcorp
Classification: Uncertain significance for Multiple endocrine neoplasia, type 2. Last evaluated: 2024-05-14. Review status: criteria provided, single submitter. Criteria: Invitae Variant Classification Sherloc (09022015). Collection method: clinical testing. Allele origin: germline.
Comment: This sequence change replaces alanine, which is neutral and non-polar, with valine, which is neutral and non-polar, at codon 247 of the RET protein (p.Ala247Val). This variant is not present in population databases (gnomAD no frequency). This variant has not been reported in the literature in individuals affected with RET-related conditions. ClinVar contains an entry for this variant (Variation ID: 486312). Algorithms developed to predict the effect of missense changes on protein structure and function output the following: SIFT: "Not Available"; PolyPhen-2: "Benign"; Align-GVGD: "Not Available". The valine amino acid residue is found in multiple mammalian species, which suggests that this missense change does not adversely affect protein function. In summary, the available evidence is currently insufficient to determine the role of this variant in disease. Therefore, it has been classified as a Variant of Uncertain Significance.

Ambry Genetics
Classification: Likely benign for Hereditary cancer-predisposing syndrome. Last evaluated: 2016-02-24. Review status: criteria provided, single submitter. Criteria: Ambry Variant Classification Scheme 2023. Collection method: clinical testing. Allele origin: germline.